The following is an entry in ClinVar:

ClinVar aggregate classification (germline): Likely benign. Review status: criteria provided, multiple submitters, no conflicts (2 of 4 stars). 3 submissions from 3 submitters: Likely benign (2). 1 of the submissions does not count toward it. Last evaluated 2026-01-28.

Conditions:
Inborn genetic diseases. Identifiers: MedGen C0950123, MeSH D030342.
PLCB1-related disorder. Also called: PLCB1-related condition.
Developmental and epileptic encephalopathy, 12 (DEE12). Identifiers: MedGen C3150988, MONDO:0013389, OMIM 613722.

Allele frequency attached by ClinVar (database versions not stated): ExAC 0.00007; ESP Exome Variant Server 0.00023; gnomAD 0.00025 and 0.00027; TOPMed 0.00028.
gnomAD v4.1: 136 of 1,609,622 alleles (0.0084%); highest among the groups gnomAD compares: African/African-American, 0.088%; no homozygotes.

Submissions (3):

Labcorp Genetics (formerly Invitae), Labcorp
Classification: Likely benign for Developmental and epileptic encephalopathy, 12. Last evaluated: 2026-01-28. Review status: criteria provided, single submitter. Criteria: Invitae Variant Classification Sherloc (09022015). Collection method: clinical testing. Allele origin: germline.

Ambry Genetics
Classification: Likely benign for Inborn genetic diseases. Last evaluated: 2016-10-17. Review status: criteria provided, single submitter. Criteria: Ambry Variant Classification Scheme 2023. Collection method: clinical testing. Allele origin: germline.

PreventionGenetics, part of Exact Sciences
Classification: Likely benign for PLCB1-related condition. Last evaluated: 2019-04-05. Review status: no assertion criteria provided. Collection method: clinical testing. Allele origin: germline. Not counted in ClinVar's aggregate classification.
Comment: This variant is classified as likely benign based on ACMG/AMP sequence variant interpretation guidelines (Richards et al. 2015 PMID: 25741868, with internal and published modifications).

NM_015192.4(PLCB1):c.2907C>T (p.Ser969=)

Gene: PLCB1 (phospholipase C beta 1; plus strand). Cytogenetic location: 20p12.3.
Variant type: single nucleotide variant.
Coding change: c.2907C>T on transcript NM_015192.4 (MANE Select); coding-DNA position 2907, C replaced by T.
Protein change: p.Ser969=; no amino-acid change (serine 969 retained).
Molecular consequence: synonymous variant.
Genome position (GRCh38, 1-based): chr20:8,765,335, C>T. VCF-style: chr20-8765335-C-T. GRCh37 (hg19) VCF-style: chr20-8745982-C-T.
Other names: c.2907C>T, p.Ser969= (NM_182734.3).
Identifiers: ClinVar variation 589952 (VCV000589952.18), dbSNP rs368328261, ClinGen allele CA9760399.